The following is an entry in ClinVar:

ClinVar aggregate classification (germline): Uncertain significance. Review status: criteria provided, multiple submitters, no conflicts (2 of 4 stars). 2 submissions from 2 submitters: Uncertain significance (2). Last evaluated 2025-03-30.

Conditions:
Hereditary cancer-predisposing syndrome. Also called: Neoplastic Syndromes, Hereditary; Tumor predisposition; Hereditary Cancer Syndrome; Hereditary neoplastic syndrome. Identifiers: Orphanet 140162, MedGen C0027672, MeSH D009386, MONDO:0015356.
Hereditary breast ovarian cancer syndrome. Also called: BRCA1- and BRCA2-Associated Hereditary Breast and Ovarian Cancer; Hereditary breast and ovarian cancer syndrome; Hereditary breast and ovarian cancer; Hereditary breast and ovarian cancer syndrome (HBOC); Breast and ovarian cancer; Hereditary breast and/or ovarian cancer syndrome. Identifiers: Orphanet 145, MedGen C0677776, MeSH D061325, MONDO:0003582. Disease mechanism: loss of function.

Allele frequency attached by ClinVar (database versions not stated): gnomAD exomes below 0.00001.
gnomAD v4.1: 2 of 1,614,052 alleles (0.00012%); highest among the groups gnomAD compares: South Asian, 0.0022%; no homozygotes.

Submissions (2):

Labcorp Genetics (formerly Invitae), Labcorp
Classification: Uncertain significance for Hereditary breast ovarian cancer syndrome. Last evaluated: 2025-03-30. Review status: criteria provided, single submitter. Criteria: Invitae Variant Classification Sherloc (09022015). Collection method: clinical testing. Allele origin: germline.
Comment: This sequence change replaces alanine, which is neutral and non-polar, with glycine, which is neutral and non-polar, at codon 3140 of the BRCA2 protein (p.Ala3140Gly). This variant is not present in population databases (gnomAD no frequency). This variant has not been reported in the literature in individuals affected with BRCA2-related conditions. ClinVar contains an entry for this variant (Variation ID: 920341). Invitae Evidence Modeling of protein sequence and biophysical properties (such as structural, functional, and spatial information, amino acid conservation, physicochemical variation, residue mobility, and thermodynamic stability) indicates that this missense variant is not expected to disrupt BRCA2 protein function with a negative predictive value of 95%. In summary, the available evidence is currently insufficient to determine the role of this variant in disease. Therefore, it has been classified as a Variant of Uncertain Significance.

Color Diagnostics, LLC DBA Color Health
Classification: Uncertain significance for Hereditary cancer-predisposing syndrome. Last evaluated: 2024-03-07. Review status: criteria provided, single submitter. Criteria: ACMG Guidelines, 2015. Collection method: clinical testing. Allele origin: germline.
Comment: This missense variant replaces alanine with glycine at codon 3140 of the BRCA2 protein. Computational prediction is inconclusive regarding the impact of this variant on protein structure and function (internally defined REVEL score threshold 0.5 < inconclusive < 0.7, PMID: 27666373). Splice site prediction tools suggest that this variant may not impact RNA splicing. To our knowledge, functional studies have not been performed for this variant. This variant has not been reported in individuals affected with hereditary cancer in the literature. This variant has not been identified in the general population by the Genome Aggregation Database (gnomAD). The available evidence is insufficient to determine the role of this variant in disease conclusively. Therefore, this variant is classified as a Variant of Uncertain Significance.

NM_000059.4(BRCA2):c.9419C>G (p.Ala3140Gly)

Gene: BRCA2 (BRCA2 DNA repair associated; plus strand). Cytogenetic location: 13q13.1.
Variant type: single nucleotide variant.
Coding change: c.9419C>G on transcript NM_000059.4 (MANE Select); coding-DNA position 9419, C replaced by G.
Protein change: p.Ala3140Gly; replaces alanine 3140 with glycine.
Molecular consequence: missense variant.
Genome position (GRCh38, 1-based): chr13:32,394,851, C>G. VCF-style: chr13-32394851-C-G. GRCh37 (hg19) VCF-style: chr13-32968988-C-G.
Other names: short protein forms A3140G.
Identifiers: ClinVar variation 920341 (VCV000920341.5), dbSNP rs2073024099, ClinGen allele CA387761466.